The following is an entry in ClinVar:

ClinVar aggregate classification (germline): Uncertain significance (1 of 4 stars; one submission).

Conditions:
Cardiovascular phenotype. Identifiers: MedGen CN230736.

Submission:

Ambry Genetics
Classification: Uncertain significance for Cardiovascular phenotype. Last evaluated: 2026-09-11. Review status: criteria provided, single submitter. Criteria: Ambry Variant Classification Scheme 2023. Collection method: clinical testing. Allele origin: germline.
Comment: The p.N167D variant (also known as c.499A>G), located in coding exon 2 of the RBM20 gene, results from an A to G substitution at nucleotide position 499. The asparagine at codon 167 is replaced by aspartic acid, an amino acid with highly similar properties. This amino acid position is conserved. In addition, this alteration is predicted to be tolerated by in silico analysis. Based on the available evidence, the clinical significance of this variant remains unclear.

NM_001134363.3(RBM20):c.499A>G (p.Asn167Asp)

Gene: RBM20 (RNA binding motif protein 20; plus strand). Cytogenetic location: 10q25.2.
Variant type: single nucleotide variant.
Coding change: c.499A>G on transcript NM_001134363.3 (MANE Select); coding-DNA position 499, A replaced by G.
Protein change: p.Asn167Asp; replaces asparagine 167 with aspartic acid.
Molecular consequence: missense variant.
Genome position (GRCh38, 1-based): chr10:110,781,108, A>G. VCF-style: chr10-110781108-A-G. GRCh37 (hg19) VCF-style: chr10-112540866-A-G.
Other names: short protein forms N167D.
Identifiers: ClinVar variation 3152254 (VCV003152254.2), dbSNP rs1844335995, ClinGen allele CA378380775.